The following is an entry in ClinVar:

ClinVar aggregate classification (germline): Uncertain significance (1 of 4 stars; one submission).

Submission:

Labcorp Genetics (formerly Invitae), Labcorp
Classification: Uncertain significance. Last evaluated: 2025-06-09. Review status: criteria provided, single submitter. Criteria: Invitae Variant Classification Sherloc (09022015). Collection method: clinical testing. Allele origin: germline.
Comment: This sequence change replaces asparagine, which is neutral and polar, with threonine, which is neutral and polar, at codon 470 of the USP7 protein (p.Asn470Thr). This variant is not present in population databases (gnomAD no frequency). This variant has not been reported in the literature in individuals affected with USP7-related conditions. ClinVar contains an entry for this variant (Variation ID: 3726902). An algorithm developed to predict the effect of missense changes on protein structure and function (PolyPhen-2) suggests that this variant is likely to be disruptive. In summary, the available evidence is currently insufficient to determine the role of this variant in disease. Therefore, it has been classified as a Variant of Uncertain Significance.

NM_003470.3(USP7):c.1409A>C (p.Asn470Thr)

Gene: USP7 (ubiquitin specific peptidase 7; minus strand). Cytogenetic location: 16p13.2.
Variant type: single nucleotide variant.
Coding change: c.1409A>C on transcript NM_003470.3 (MANE Select); coding-DNA position 1409, A replaced by C.
Protein change: p.Asn470Thr; replaces asparagine 470 with threonine.
Molecular consequence: missense variant. On other transcripts: non-coding transcript variant (1).
Genome position (GRCh38, 1-based): chr16:8,906,445, T>G on the plus strand (A>C on the coding strand, the complement: USP7 is on the minus strand). VCF-style: chr16-8906445-T-G. GRCh37 (hg19) VCF-style: chr16-9000302-T-G.
Other names: c.1361A>C, p.Asn454Thr (NM_001286457.2); c.1112A>C, p.Asn371Thr (NM_001286458.2); c.1235A>C, p.Asn412Thr (NM_001321858.2); short protein forms N412T, N470T, N371T, N454T.
Identifiers: ClinVar variation 3726902 (VCV003726902.2).
Genomic context (GRCh38, chr16:8,906,445, plus strand): 5'-TTCTGATGAGCTTGCATTCAGCCCTGGGTCCCACCACTTACTTTGCCATCCCCTTTGGGG[T>G]TTAGATAAACCACATAATGTCCACCATGATTATCTCCACTATGAACCAGGACTGCATGAA-3'
Protein context (NP_003461.2, residues 460-480): NHGGHYVVYL[Asn470Thr]PKGDGKWCKF